The following is an entry in ClinVar:

ClinVar aggregate classification (germline): Likely benign (0 of 4 stars; one submission).

Conditions:
PRKAG3-related disorder. Also called: PRKAG3-related condition.

Allele frequency attached by ClinVar (database versions not stated): gnomAD 0.00002; gnomAD exomes 0.00002; TOPMed 0.00002; ExAC 0.00003; ESP Exome Variant Server 0.00015; 1000 Genomes Project 30x 0.00016; 1000 Genomes Project 0.00020.
gnomAD v4.1: 35 of 1,613,296 alleles (0.0022%); highest among the groups gnomAD compares: African/African-American, 0.0053%; no homozygotes.

Submission:

PreventionGenetics, part of Exact Sciences
Classification: Likely benign for PRKAG3-related condition. Last evaluated: 2022-02-28. Review status: no assertion criteria provided. Collection method: clinical testing. Allele origin: germline.
Comment: This variant is classified as likely benign based on ACMG/AMP sequence variant interpretation guidelines (Richards et al. 2015 PMID: 25741868, with internal and published modifications).

NM_017431.4(PRKAG3):c.315C>T (p.Ala105=)

Gene: PRKAG3 (protein kinase AMP-activated non-catalytic subunit gamma 3; minus strand). Cytogenetic location: 2q35.
Variant type: single nucleotide variant.
Coding change: c.315C>T on transcript NM_017431.4 (MANE Select); coding-DNA position 315, C replaced by T.
Protein change: p.Ala105=; no amino-acid change (alanine 105 retained).
Molecular consequence: synonymous variant.
Genome position (GRCh38, 1-based): chr2:218,830,296, G>A on the plus strand (C>T on the coding strand, the complement: PRKAG3 is on the minus strand). VCF-style: chr2-218830296-G-A. GRCh37 (hg19) VCF-style: chr2-219695019-G-A.
Identifiers: ClinVar variation 3051845 (VCV003051845.2), dbSNP rs368388605, ClinGen allele CA2113431.
Genomic context (GRCh38, chr2:218,830,296, plus strand): 5'-AGCTGAGGCTGTACAGTCAGAGGGGAGGCAGTCCCACCCTGTTGGTGGAGTGCCCACCCC[G>A]GCAGGATCAGCTTGAGCCAAGGGTGTGGTCTTGGGGAATGTGGCCTCCAGCCCGGTGGAC-3'
Protein context (NP_059127.2, residues 95-115): KTTPLAQADP[Ala105=]GVGTPPTGWD